The following is an entry in ClinVar:

NM_000264.5(PTCH1):c.1852T>C (p.Cys618Arg)

Genes: PTCH1 (patched 1; minus strand), LOC100507346 (uncharacterized LOC100507346; plus strand). Cytogenetic location: 9q22.32.
Variant type: single nucleotide variant.
Coding change: c.1852T>C on transcript NM_000264.5 (MANE Select); coding-DNA position 1852, T replaced by C.
Protein change: p.Cys618Arg; replaces cysteine 618 with arginine.
Molecular consequence: missense variant. On other transcripts: non-coding transcript variant (2).
Genome position (GRCh38, 1-based): chr9:95,469,149, A>G on the plus strand (T>C on the coding strand, the complement: PTCH1 is on the minus strand). VCF-style: chr9-95469149-A-G. GRCh37 (hg19) VCF-style: chr9-98231431-A-G.
Other names: c.1654T>C, p.Cys552Arg (NM_001083602.3); c.1849T>C, p.Cys617Arg (NM_001083603.3); c.1399T>C, p.Cys467Arg (NM_001083604.3, NM_001083605.3, NM_001083606.3 and 1 more transcripts); c.1696T>C, p.Cys566Arg (NM_001354918.2); c.1852T>C (NM_000264.3); short protein forms C467R, C552R, C566R, C617R, C618R.
Identifiers: ClinVar variation 1052398 (VCV001052398.9), dbSNP rs2118062260, ClinGen allele CA374116190.
Genomic context (GRCh38, chr9:95,469,149, plus strand): 5'-GGGTATTGTCGTGTGTGTCGGTGTAGGCCTGAGGTTCAACCTGAATCACTCTGCTGACGC[A>G]GGGGCTGAAAGGAGGGGAAACATGTTGCAATGTTATGCTGAAACAGGGAAATGGTGCTTT-3'
Protein context (NP_000255.2, residues 608-628): LDIFCCFTSP[Cys618Arg]VSRVIQVEPQ

ClinVar aggregate classification (germline): Uncertain significance. Review status: criteria provided, multiple submitters, no conflicts (2 of 4 stars). 2 submissions from 2 submitters: Uncertain significance (2). Last evaluated 2024-08-26.

Conditions:
Gorlin syndrome. Also called: Nevoid Basal Cell Carcinoma Syndrome; Basal cell nevus syndrome. Identifiers: Orphanet 377, MedGen C0004779, MONDO:0007187.
Hereditary cancer-predisposing syndrome. Also called: Hereditary Cancer Syndrome; Tumor predisposition; Hereditary neoplastic syndrome; Neoplastic Syndromes, Hereditary. Identifiers: Orphanet 140162, MedGen C0027672, MeSH D009386, MONDO:0015356.

Submissions (2):

Ambry Genetics
Classification: Uncertain significance for Hereditary cancer-predisposing syndrome. Last evaluated: 2024-08-26. Review status: criteria provided, single submitter. Criteria: Ambry Variant Classification Scheme 2023. Collection method: clinical testing. Allele origin: germline.
Comment: The p.C618R variant (also known as c.1852T>C), located in coding exon 14 of the PTCH1 gene, results from a T to C substitution at nucleotide position 1852. The cysteine at codon 618 is replaced by arginine, an amino acid with highly dissimilar properties. This amino acid position is conserved. In addition, this alteration is predicted to be deleterious by in silico analysis. Based on the available evidence, the clinical significance of this variant remains unclear.

Labcorp Genetics (formerly Invitae), Labcorp
Classification: Uncertain significance for Gorlin syndrome. Last evaluated: 2024-01-17. Review status: criteria provided, single submitter. Criteria: Invitae Variant Classification Sherloc (09022015). Collection method: clinical testing. Allele origin: germline.
Comment: This sequence change replaces cysteine, which is neutral and slightly polar, with arginine, which is basic and polar, at codon 618 of the PTCH1 protein (p.Cys618Arg). This variant is not present in population databases (gnomAD no frequency). This variant has not been reported in the literature in individuals affected with PTCH1-related conditions. ClinVar contains an entry for this variant (Variation ID: 1052398). Advanced modeling of protein sequence and biophysical properties (such as structural, functional, and spatial information, amino acid conservation, physicochemical variation, residue mobility, and thermodynamic stability) has been performed at Invitae for this missense variant, however the output from this modeling did not meet the statistical confidence thresholds required to predict the impact of this variant on PTCH1 protein function. In summary, the available evidence is currently insufficient to determine the role of this variant in disease. Therefore, it has been classified as a Variant of Uncertain Significance.